The following is an entry in ClinVar:

NM_003334.4(UBA1):c.2473C>T (p.Arg825Cys)

Gene: UBA1 (ubiquitin like modifier activating enzyme 1; plus strand). Cytogenetic location: Xp11.3.
Variant type: single nucleotide variant.
Coding change: c.2473C>T on transcript NM_003334.4 (MANE Select); coding-DNA position 2473, C replaced by T.
Protein change: p.Arg825Cys; replaces arginine 825 with cysteine.
Molecular consequence: missense variant.
Genome position (GRCh38, 1-based): chrX:47,212,432, C>T. VCF-style: chrX-47212432-C-T. GRCh37 (hg19) VCF-style: chrX-47071831-C-T.
Other names: c.2515C>T, p.Arg839Cys (NM_001440807.1); c.2491C>T, p.Arg831Cys (NM_001440809.1, NM_001440810.1); c.2473C>T, p.Arg825Cys (NM_001440811.1, NM_001440812.1, NM_153280.3); short protein forms R831C, R839C, R825C.
Identifiers: ClinVar variation 4776826 (VCV004776826.1).
Genomic context (GRCh38, chrX:47,212,432, plus strand): 5'-CAGACCTTAGCCTGGGATCTAAAGGGCTGACAGTGTCCCTTTCTTCATGCAGATGACAGT[C>T]GTCTAGAGGAGCTCAAAGCCACTCTGCCCAGCCCAGACAAGCTCCCTGGATTCAAGATGT-3'
Protein context (NP_003325.2, residues 815-835): QSANASVDDS[Arg825Cys]LEELKATLPS

ClinVar aggregate classification (germline): Uncertain significance (1 of 4 stars; one submission).

Conditions:
Infantile-onset X-linked spinal muscular atrophy. Also called: Spinal Muscular Atrophy, X-Linked Infantile; Spinal muscular atrophy, X-linked 2; AMC, DISTAL, X-LINKED; ARTHROGRYPOSIS, X-LINKED, TYPE I; SPINAL MUSCULAR ATROPHY, X-LINKED LETHAL INFANTILE. Identifiers: Orphanet 1145, MedGen C1844934, MONDO:0010532, OMIM 301830.

gnomAD v4.1: 2 of 1,203,954 alleles (0.00017%); highest among the groups gnomAD compares: Non-Finnish European, 0.00011%; no homozygotes.

Submission:

Labcorp Genetics (formerly Invitae), Labcorp
Classification: Uncertain significance for Infantile-onset X-linked spinal muscular atrophy. Last evaluated: 2025-04-22. Review status: criteria provided, single submitter. Criteria: Invitae Variant Classification Sherloc (09022015). Collection method: clinical testing. Allele origin: germline.
Comment: This sequence change replaces arginine, which is basic and polar, with cysteine, which is neutral and slightly polar, at codon 825 of the UBA1 protein (p.Arg825Cys). This variant is present in population databases (rs782657351, gnomAD 0.001%). This variant has not been reported in the literature in individuals affected with UBA1-related conditions. An algorithm developed to predict the effect of missense changes on protein structure and function (PolyPhen-2) suggests that this variant is likely to be tolerated. In summary, the available evidence is currently insufficient to determine the role of this variant in disease. Therefore, it has been classified as a Variant of Uncertain Significance.